The following is an entry in ClinVar:

NM_173354.5(SIK1):c.1580A>G (p.Gln527Arg)

Gene: SIK1 (salt inducible kinase 1; minus strand). Cytogenetic location: 21q22.3.
Variant type: single nucleotide variant.
Coding change: c.1580A>G on transcript NM_173354.5 (MANE Select); coding-DNA position 1580, A replaced by G.
Protein change: p.Gln527Arg; replaces glutamine 527 with arginine.
Molecular consequence: missense variant.
Genome position (GRCh38, 1-based): chr21:43,418,424, T>C on the plus strand (A>G on the coding strand, the complement: SIK1 is on the minus strand). VCF-style: chr21-43418424-T-C. GRCh37 (hg19) VCF-style: chr21-44838304-T-C.
Other names: short protein forms Q527R.
Identifiers: ClinVar variation 3339257 (VCV003339257.1).

ClinVar aggregate classification (germline): Uncertain significance (1 of 4 stars; one submission).

Submission:

Women's Health and Genetics/Laboratory Corporation of America, LabCorp
Classification: Uncertain significance. Last evaluated: 2024-07-29. Review status: criteria provided, single submitter. Criteria: LabCorp Variant Classification Summary - May 2015. Collection method: clinical testing. Allele origin: germline.
Comment: Variant summary: SIK1 c.1580A>G (p.Gln527Arg) results in a conservative amino acid change in the encoded protein sequence. Four of five in-silico tools predict a benign effect of the variant on protein function. The variant was absent in 242124 control chromosomes (gnomAD). The available data on variant occurrences in the general population are insufficient to allow any conclusion about variant significance. To our knowledge, no occurrence of c.1580A>G in individuals affected with Developmental And Epileptic Encephalopathy, 30 and no experimental evidence demonstrating its impact on protein function have been reported. No submitters have cited clinical-significance assessments for this variant to ClinVar. Based on the evidence outlined above, the variant was classified as uncertain significance.